The following is an entry in ClinVar:

NM_015158.5(KANK1):c.1196G>A (p.Arg399Gln)

Gene: KANK1 (KN motif and ankyrin repeat domains 1; plus strand). Cytogenetic location: 9p24.3.
Variant type: single nucleotide variant.
Coding change: c.1196G>A on transcript NM_015158.5 (MANE Select); coding-DNA position 1196, G replaced by A.
Protein change: p.Arg399Gln; replaces arginine 399 with glutamine.
Molecular consequence: missense variant. On other transcripts: non-coding transcript variant (1).
Genome position (GRCh38, 1-based): chr9:711,962, G>A. VCF-style: chr9-711962-G-A. GRCh37 (hg19) VCF-style: chr9-711962-G-A.
Other names: c.1196G>A, p.Arg399Gln (NM_001256876.3, NM_001256877.3, NM_001354331.2 and 2 more transcripts); c.722G>A, p.Arg241Gln (NM_001354333.2, NM_001354335.2, NM_001354336.2 and 9 more transcripts); c.1196G>A (NM_015158.3); short protein forms R241Q, R399Q.
Identifiers: ClinVar variation 1652876 (VCV001652876.11), dbSNP rs114784029, ClinGen allele CA4960150.
Genomic context (GRCh38, chr9:711,962, plus strand): 5'-AGAAGATCCAGGACAGCAGCTGTGAGGCCTCCTCAGAGCTCAGGGAGAATGGAGAGTGCC[G>A]GTCTGTGGCTGTGGGTGCCGAGGAGAACATGAACGACATCGTCGTGTACCACAGAGGCTC-3'
Protein context (NP_055973.2, residues 389-409): SSELRENGEC[Arg399Gln]SVAVGAEENM

ClinVar aggregate classification (germline): Likely benign. Review status: criteria provided, multiple submitters, no conflicts (2 of 4 stars). 3 submissions from 3 submitters: Likely benign (2). 1 of the submissions does not count toward it. Last evaluated 2026-01-15.

Conditions:
KANK1-related disorder. Also called: KANK1-related condition.
Cerebral palsy, spastic quadriplegic, 2 (CPSQ2). Identifiers: Orphanet 210141, MedGen C2752061, MONDO:0013033, OMIM 612900.

Allele frequency attached by ClinVar (database versions not stated): gnomAD exomes 0.00007 and 0.00025; TOPMed 0.00015; ExAC 0.00030; 1000 Genomes Project 0.00040; 1000 Genomes Project 30x 0.00047.
gnomAD v4.1: 142 of 1,614,152 alleles (0.0088%); highest among the groups gnomAD compares: East Asian, 0.18%; 3 homozygotes.

Submissions (3):

Labcorp Genetics (formerly Invitae), Labcorp
Classification: Likely benign. Last evaluated: 2026-01-15. Review status: criteria provided, single submitter. Criteria: Invitae Variant Classification Sherloc (09022015). Collection method: clinical testing. Allele origin: germline.

Fulgent Genetics
Classification: Likely benign for Cerebral palsy, spastic quadriplegic, 2. Last evaluated: 2021-09-28. Review status: criteria provided, single submitter. Criteria: ACMG Guidelines, 2015. Collection method: clinical testing. Allele origin: unknown.

PreventionGenetics, part of Exact Sciences
Classification: Likely benign for KANK1-related condition. Last evaluated: 2021-04-28. Review status: no assertion criteria provided. Collection method: clinical testing. Allele origin: germline. Not counted in ClinVar's aggregate classification.
Comment: This variant is classified as likely benign based on ACMG/AMP sequence variant interpretation guidelines (Richards et al. 2015 PMID: 25741868, with internal and published modifications).